The following is an entry in ClinVar:

NM_032193.4(RNASEH2C):c.215A>T (p.Glu72Val)

Gene: RNASEH2C (ribonuclease H2 subunit C; minus strand). Cytogenetic location: 11q13.1.
Variant type: single nucleotide variant.
Coding change: c.215A>T on transcript NM_032193.4 (MANE Select); coding-DNA position 215, A replaced by T.
Protein change: p.Glu72Val; replaces glutamic acid 72 with valine.
Molecular consequence: missense variant.
Genome position (GRCh38, 1-based): chr11:65,720,375, T>A on the plus strand (A>T on the coding strand, the complement: RNASEH2C is on the minus strand). VCF-style: chr11-65720375-T-A. GRCh37 (hg19) VCF-style: chr11-65487846-T-A.
Other names: c.215A>T (NM_032193.3); short protein forms E72V.
Identifiers: ClinVar variation 4863361 (VCV004863361.1), dbSNP rs751668441.

ClinVar aggregate classification (germline): Uncertain significance (1 of 4 stars; one submission).

Conditions:
Inborn genetic diseases. Identifiers: MedGen C0950123, MeSH D030342.

gnomAD v4.1: 3 of 1,614,176 alleles (0.00019%); highest among the groups gnomAD compares: Admixed American, 0.0033%; no homozygotes.

Submission:

Ambry Genetics
Classification: Uncertain significance for Inborn genetic diseases. Last evaluated: 2026-05-27. Review status: criteria provided, single submitter. Criteria: Ambry Variant Classification Scheme 2023. Collection method: clinical testing. Allele origin: germline.
Comment: The c.215A>T (p.E72V) alteration is located in exon 2 (coding exon 2) of the RNASEH2C gene. This alteration results from a A to T substitution at nucleotide position 215, causing the glutamic acid (E) at amino acid position 72 to be replaced by a valine (V). Based on data from gnomAD, the T allele has an overall frequency of 0.001% (2/251080) total alleles studied. The highest observed frequency was 0.006% (2/34582) of Latino alleles. Based on insufficient or conflicting evidence, the clinical significance of this alteration remains unclear.